The following is an entry in ClinVar:

ClinVar aggregate classification (germline): Conflicting classifications of pathogenicity. Review status: criteria provided, conflicting classifications (1 of 4 stars). 3 submissions from 3 submitters: Uncertain significance (1); Likely benign (2). Last evaluated 2025-03-26.

Conditions:
Trichorhinophalangeal dysplasia type I (TRPS1). Also called: TRICHORHINOPHALANGEAL SYNDROME, TYPE I; TRPS I. Identifiers: Orphanet 77258, MedGen C0432233, MONDO:0008596, OMIM 190350.
Trichorhinophalangeal syndrome, type III (TRPS3). Also called: SUGIO-KAJII SYNDROME. Identifiers: Orphanet 77258, MedGen C1860823, OMIM 190351, MONDO:0008597.
Inborn genetic diseases. Identifiers: MedGen C0950123, MeSH D030342.

Allele frequency attached by ClinVar (database versions not stated): gnomAD 0.00001; TOPMed 0.00002; ExAC 0.00006; 1000 Genomes Project 30x 0.00016; 1000 Genomes Project 0.00020.
gnomAD v4.1: 86 of 1,614,118 alleles (0.0053%); highest among the groups gnomAD compares: South Asian, 0.024%; no homozygotes.

Submissions (3):

Labcorp Genetics (formerly Invitae), Labcorp
Classification: Likely benign for Trichorhinophalangeal syndrome, type III; Trichorhinophalangeal dysplasia type I. Last evaluated: 2025-03-26. Review status: criteria provided, single submitter. Criteria: Invitae Variant Classification Sherloc (09022015). Collection method: clinical testing. Allele origin: germline.

Ambry Genetics
Classification: Likely benign for Inborn genetic diseases. Last evaluated: 2024-01-16. Review status: criteria provided, single submitter. Criteria: Ambry Variant Classification Scheme 2023. Collection method: clinical testing. Allele origin: germline.

Women's Health and Genetics/Laboratory Corporation of America, LabCorp
Classification: Uncertain significance. Last evaluated: 2022-10-03. Review status: criteria provided, single submitter. Criteria: LabCorp Variant Classification Summary - May 2015. Collection method: clinical testing. Allele origin: germline.
Comment: Variant summary: TRPS1 c.73G>A (p.Val25Ile) results in a conservative amino acid change in the encoded protein sequence. Two of four in-silico tools predict a benign effect of the variant on protein function. The variant allele was found at a frequency of 3.2e-05 in 249138 control chromosomes (gnomAD). The available data on variant occurrences in the general population are insufficient to allow any conclusion about variant significance. To our knowledge, no occurrence of c.73G>A in individuals affected with TRPS1-Related Disorders and no experimental evidence demonstrating its impact on protein function have been reported. No clinical diagnostic laboratories have submitted clinical-significance assessments for this variant to ClinVar after 2014. Based on the evidence outlined above, the variant was classified as uncertain significance.

NM_014112.5(TRPS1):c.73G>A (p.Val25Ile)

Gene: TRPS1 (transcriptional repressor GATA binding 1; minus strand). Cytogenetic location: 8q23.3.
Variant type: single nucleotide variant.
Coding change: c.73G>A on transcript NM_014112.5 (MANE Select); coding-DNA position 73, G replaced by A.
Protein change: p.Val25Ile; replaces valine 25 with isoleucine.
Molecular consequence: missense variant.
Genome position (GRCh38, 1-based): chr8:115,620,025, C>T on the plus strand (G>A on the coding strand, the complement: TRPS1 is on the minus strand). VCF-style: chr8-115620025-C-T. GRCh37 (hg19) VCF-style: chr8-116632252-C-T.
Other names: c.46G>A, p.Val16Ile (NM_001282902.3); c.52G>A, p.Val18Ile (NM_001282903.3); c.34G>A, p.Val12Ile (NM_001330599.2); c.73G>A (NM_014112.2); short protein forms V12I, V16I, V18I, V25I.
Identifiers: ClinVar variation 1723393 (VCV001723393.5), dbSNP rs537354921, ClinGen allele CA4852063.
Genomic context (GRCh38, chr8:115,620,025, plus strand): 5'-CAGATACCTTGCTTTCTGTACCTATAGGCTCCAGGATCTGGCCCTCGCCTTCACTTGCAA[C>T]GTTTCTCAGAGGGGGGTTCTTTTTCCGGACCATATCTGCAAAGATAAAGGGAAAAGGCAG-3'
Protein context (NP_054831.2, residues 15-35): VRKKNPPLRN[Val25Ile]ASEGEGQILE